The following is an entry in ClinVar:

NM_000355.4(TCN2):c.784G>C (p.Glu262Gln)

Gene: TCN2 (transcobalamin 2; plus strand). Cytogenetic location: 22q12.2.
Variant type: single nucleotide variant.
Coding change: c.784G>C on transcript NM_000355.4 (MANE Select); coding-DNA position 784, G replaced by C.
Protein change: p.Glu262Gln; replaces glutamic acid 262 with glutamine.
Molecular consequence: missense variant.
Genome position (GRCh38, 1-based): chr22:30,615,631, G>C. VCF-style: chr22-30615631-G-C. GRCh37 (hg19) VCF-style: chr22-31011618-G-C.
Other names: c.703G>C, p.Glu235Gln (NM_001184726.2); short protein forms E235Q, E262Q.
Identifiers: ClinVar variation 791708 (VCV000791708.14), dbSNP rs61743653, ClinGen allele CA10184850.

ClinVar aggregate classification (germline): Conflicting classifications of pathogenicity. Review status: criteria provided, conflicting classifications (1 of 4 stars). 3 submissions from 3 submitters: Uncertain significance (2); Likely benign (1). Last evaluated 2026-02-23.

Conditions:
Inborn genetic diseases. Identifiers: MedGen C0950123, MeSH D030342.
Transcobalamin II deficiency (TCN2D). Also called: Transcolabamin II deficiency; TC II DEFICIENCY; TCN2 DEFICIENCY. Identifiers: Orphanet 859, MedGen C0342701, MONDO:0010149, OMIM 275350.

Allele frequency attached by ClinVar (database versions not stated): gnomAD exomes 0.00005 and 0.00015; ExAC 0.00016; ESP Exome Variant Server 0.00046; gnomAD 0.00049 and 0.00056; TOPMed 0.00057; 1000 Genomes Project 30x 0.00062; 1000 Genomes Project 0.00080.

Submissions (3):

Ambry Genetics
Classification: Uncertain significance for Inborn genetic diseases. Last evaluated: 2026-02-23. Review status: criteria provided, single submitter. Criteria: Ambry Variant Classification Scheme 2023. Collection method: clinical testing. Allele origin: germline.

Labcorp Genetics (formerly Invitae), Labcorp
Classification: Likely benign for Transcobalamin II deficiency. Last evaluated: 2026-01-24. Review status: criteria provided, single submitter. Criteria: Invitae Variant Classification Sherloc (09022015). Collection method: clinical testing. Allele origin: germline.

Baylor Genetics
Classification: Uncertain significance for Transcobalamin II deficiency. Last evaluated: 2018-11-21. Review status: criteria provided, single submitter. Criteria: ACMG Guidelines, 2015. Collection method: clinical testing. Allele origin: maternal. Affected: yes.
Comment: This variant was determined to be of uncertain significance according to ACMG Guidelines, 2015 [PMID:25741868].